The following is an entry in ClinVar:

NM_015213.4(DENND5A):c.1411C>T (p.Arg471Trp)

Gene: DENND5A (DENN domain containing 5A; minus strand). Cytogenetic location: 11p15.4.
Variant type: single nucleotide variant.
Coding change: c.1411C>T on transcript NM_015213.4 (MANE Select); coding-DNA position 1411, C replaced by T.
Protein change: p.Arg471Trp; replaces arginine 471 with tryptophan.
Molecular consequence: missense variant. On other transcripts: non-coding transcript variant (1).
Genome position (GRCh38, 1-based): chr11:9,180,811, G>A on the plus strand (C>T on the coding strand, the complement: DENND5A is on the minus strand). VCF-style: chr11-9180811-G-A. GRCh37 (hg19) VCF-style: chr11-9202358-G-A.
Other names: c.1411C>T, p.Arg471Trp (NM_001243254.2, NM_001348748.1); c.1339C>T, p.Arg447Trp (NM_001348749.2); c.1123C>T, p.Arg375Trp (NM_001348750.2); c.1411C>T (NM_015213.3); short protein forms R375W, R447W, R471W.
Identifiers: ClinVar variation 2576578 (VCV002576578.3), dbSNP rs747018631, ClinGen allele CA5877611.
Genomic context (GRCh38, chr11:9,180,811, plus strand): 5'-CATATACACATCTTACCTTTTCCAGGCTCACCCCAGTTCTCTTGACCAAGGCTTGCAGCC[G>A]GGCAATAGTTTCATTCTCCTTAAGAAGCTCGTAGGAATGCAAAGGGGAGCCAGCAATGTT-3'
Protein context (NP_056028.2, residues 461-481): ELLKENETIA[Arg471Trp]LQALVKRTGV

ClinVar aggregate classification (germline): Uncertain significance. Review status: criteria provided, multiple submitters, no conflicts (2 of 4 stars). 2 submissions from 2 submitters: Uncertain significance (2). Last evaluated 2025-02-08.

Conditions:
Inborn genetic diseases. Identifiers: MedGen C0950123, MeSH D030342.
Developmental and epileptic encephalopathy, 49 (DEE49). Also called: Epileptic encephalopathy, early infantile, 49. Identifiers: MedGen C4310635, MONDO:0015002, OMIM 617281.

Allele frequency attached by ClinVar (database versions not stated): ExAC 0.00001; gnomAD 0.00001; TOPMed 0.00002.
gnomAD v4.1: 27 of 1,614,034 alleles (0.0017%); highest among the groups gnomAD compares: Non-Finnish European, 0.0021%; no homozygotes.

Submissions (2):

Ambry Genetics
Classification: Uncertain significance for Inborn genetic diseases. Last evaluated: 2025-02-08. Review status: criteria provided, single submitter. Criteria: Ambry Variant Classification Scheme 2023. Collection method: clinical testing. Allele origin: germline.

Institute of Human Genetics, University of Leipzig Medical Center
Classification: Uncertain significance for Developmental and epileptic encephalopathy, 49. Last evaluated: 2023-07-10. Review status: criteria provided, single submitter. Criteria: ACMG Guidelines, 2015. Collection method: clinical testing. Allele origin: paternal. Inheritance: Autosomal recessive inheritance. Affected: yes.
Comment: Criteria applied: PM3,PM2_SUP,PP3